The following is an entry in ClinVar:

NM_001374828.1(ARID1B):c.539C>A (p.Ala180Asp)

Genes: ARID1B (AT-rich interaction domain 1B; plus strand), LOC115308161 (uncharacterized LOC115308161; minus strand). Cytogenetic location: 6q25.3.
Variant type: single nucleotide variant.
Coding change: c.539C>A on transcript NM_001374828.1 (MANE Select); coding-DNA position 539, C replaced by A.
Protein change: p.Ala180Asp; replaces alanine 180 with aspartic acid.
Molecular consequence: missense variant.
Genome position (GRCh38, 1-based): chr6:156,778,219, C>A. VCF-style: chr6-156778219-C-A. GRCh37 (hg19) VCF-style: chr6-157099353-C-A.
Other names: c.539C>A, p.Ala180Asp (NM_001371656.1, NM_001374820.1, NM_017519.3); short protein forms A180D.
Identifiers: ClinVar variation 3666058 (VCV003666058.2).
Genomic context (GRCh38, chr6:156,778,219, plus strand): 5'-CCGCGCCGCCCCACCAGCAGCACCACCACCACCACCATGCCCACCACCACCACCACCATG[C>A]CCACCACCTCCACCACCACCACGCACTACAGCAGCAGCTAAACCAGTTCCAGCAGCAGCA-3'
Protein context (NP_001361757.1, residues 170-190): HHHAHHHHHH[Ala180Asp]HHLHHHHALQ

ClinVar aggregate classification (germline): Uncertain significance (1 of 4 stars; one submission).

gnomAD v4.1: 3 of 1,538,898 alleles (0.00019%); highest among the groups gnomAD compares: Admixed American, 0.0059%; no homozygotes.

Submission:

Labcorp Genetics (formerly Invitae), Labcorp
Classification: Uncertain significance. Last evaluated: 2024-07-31. Review status: criteria provided, single submitter. Criteria: Invitae Variant Classification Sherloc (09022015). Collection method: clinical testing. Allele origin: germline.
Comment: This sequence change replaces alanine, which is neutral and non-polar, with aspartic acid, which is acidic and polar, at codon 97 of the ARID1B protein (p.Ala97Asp). The frequency data for this variant in the population databases is considered unreliable, as metrics indicate poor data quality at this position in the gnomAD database. This variant has not been reported in the literature in individuals affected with ARID1B-related conditions. Experimental studies and prediction algorithms are not available or were not evaluated, and the functional significance of this variant is currently unknown. In summary, the available evidence is currently insufficient to determine the role of this variant in disease. Therefore, it has been classified as a Variant of Uncertain Significance.